The following is an entry in ClinVar:

ClinVar aggregate classification (germline): Uncertain significance. Review status: criteria provided, multiple submitters, no conflicts (2 of 4 stars). 2 submissions from 2 submitters: Uncertain significance (2). Last evaluated 2024-11-18.

Allele frequency attached by ClinVar (database versions not stated): gnomAD 0.00003; gnomAD exomes 0.00005 and 0.00007; TOPMed 0.00006; ExAC 0.00007; ESP Exome Variant Server 0.00008; 1000 Genomes Project 30x 0.00016; 1000 Genomes Project 0.00020.
gnomAD v4.1: 100 of 1,614,062 alleles (0.0062%); highest among the groups gnomAD compares: South Asian, 0.012%; no homozygotes.

Submissions (2):

Blueprint Genetics
Classification: Uncertain significance. Last evaluated: 2024-11-18. Review status: criteria provided, single submitter. Criteria: ACMG Guidelines, 2015. Collection method: clinical testing. Allele origin: germline.

Labcorp Genetics (formerly Invitae), Labcorp
Classification: Uncertain significance. Last evaluated: 2022-07-13. Review status: criteria provided, single submitter. Criteria: Invitae Variant Classification Sherloc (09022015). Collection method: clinical testing. Allele origin: germline.
Comment: This sequence change replaces threonine, which is neutral and polar, with methionine, which is neutral and non-polar, at codon 224 of the ABCA4 protein (p.Thr224Met). This variant is present in population databases (rs373540612, gnomAD 0.02%). This variant has not been reported in the literature in individuals affected with ABCA4-related conditions. ClinVar contains an entry for this variant (Variation ID: 853139). Advanced modeling of protein sequence and biophysical properties (such as structural, functional, and spatial information, amino acid conservation, physicochemical variation, residue mobility, and thermodynamic stability) performed at Invitae indicates that this missense variant is not expected to disrupt ABCA4 protein function. In summary, the available evidence is currently insufficient to determine the role of this variant in disease. Therefore, it has been classified as a Variant of Uncertain Significance.

NM_000350.3(ABCA4):c.671C>T (p.Thr224Met)

Gene: ABCA4 (ATP binding cassette subfamily A member 4; minus strand). Cytogenetic location: 1p22.1.
Variant type: single nucleotide variant.
Coding change: c.671C>T on transcript NM_000350.3 (MANE Select); coding-DNA position 671, C replaced by T.
Protein change: p.Thr224Met; replaces threonine 224 with methionine.
Molecular consequence: missense variant.
Genome position (GRCh38, 1-based): chr1:94,098,891, G>A on the plus strand (C>T on the coding strand, the complement: ABCA4 is on the minus strand). VCF-style: chr1-94098891-G-A. GRCh37 (hg19) VCF-style: chr1-94564447-G-A.
Other names: c.671C>T, p.Thr224Met (NM_001425324.1); short protein forms T224M.
Identifiers: ClinVar variation 853139 (VCV000853139.8), dbSNP rs373540612, ClinGen allele CA958773.